The following is an entry in ClinVar:

NM_000053.4(ATP7B):c.1708-5T>G

Gene: ATP7B (ATPase copper transporting beta; minus strand). Cytogenetic location: 13q14.3.
Variant type: single nucleotide variant.
Coding change: c.1708-5T>G on transcript NM_000053.4 (MANE Select); 5 bases into the intron before coding-DNA position 1708, T replaced by G.
Molecular consequence: intron variant.
Genome position (GRCh38, 1-based): chr13:51,965,038, A>C on the plus strand (T>G on the coding strand, the complement: ATP7B is on the minus strand). VCF-style: chr13-51965038-A-C. GRCh37 (hg19) VCF-style: chr13-52539174-A-C.
Other names: c.1375-5T>G (NM_001243182.2); c.1708-5T>G (NM_001005918.3, NM_001330579.2, NM_001330578.2).
Identifiers: ClinVar variation 495402 (VCV000495402.19), dbSNP rs770829226, ClinGen allele CA6989243.

ClinVar aggregate classification (germline): Conflicting classifications of pathogenicity. Review status: criteria provided, conflicting classifications (1 of 4 stars). 7 submissions from 7 submitters: Pathogenic (4); Likely pathogenic (1); Uncertain significance (1). 1 of the submissions does not count toward it. Last evaluated 2025-10-03.

Conditions:
Wilson disease (WND). Also called: Wilson's disease. Identifiers: Orphanet 905, MedGen C0019202, MONDO:0010200, OMIM 277900. Disease mechanism: loss of function.

Allele frequency attached by ClinVar (database versions not stated): TOPMed below 0.00001; ExAC 0.00001; gnomAD 0.00001; gnomAD exomes 0.00001.
gnomAD v4.1: 5 of 1,613,938 alleles (0.00031%); highest among the groups gnomAD compares: East Asian, 0.011%; no homozygotes.

Submissions (7):

Labcorp Genetics (formerly Invitae), Labcorp
Classification: Pathogenic for Wilson disease. Last evaluated: 2025-10-03. Review status: criteria provided, single submitter. Criteria: Invitae Variant Classification Sherloc (09022015). Collection method: clinical testing. Allele origin: germline.
Comment: This sequence change falls in intron 4 of the ATP7B gene. It does not directly change the encoded amino acid sequence of the ATP7B protein. This variant is present in population databases (rs770829226, gnomAD 0.01%). This variant has been observed in individual(s) with Wilson disease (PMID: 8526905, 11721763, 21707886, 28507923). ClinVar contains an entry for this variant (Variation ID: 495402). Algorithms developed to predict the effect of sequence changes on RNA splicing suggest that this variant may disrupt the consensus splice site. For these reasons, this variant has been classified as Pathogenic.

Women's Health and Genetics/Laboratory Corporation of America, LabCorp
Classification: Pathogenic for Wilson disease. Last evaluated: 2025-03-05. Review status: criteria provided, single submitter. Criteria: LabCorp Variant Classification Summary - May 2015. Collection method: clinical testing. Allele origin: germline.
Comment: Variant summary: ATP7B c.1708-5T>G alters a conserved nucleotide located close to a canonical splice site and therefore could affect mRNA splicing, leading to a significantly altered protein sequence. Several computational tools predict a significant impact on normal splicing: One predict the variant abolishes the canonical 3' acceptor site. Two predict the variant weakens the canonical 3' acceptor site. One predict the variant no significant impact on splicing. At least one publication reports experimental evidence that this variant affects mRNA splicing by skipping exon 5 (Shimizu_1995). The variant allele was found at a frequency of 8e-06 in 249516 control chromosomes. c.1708-5T>G has been reported in the literature in multiple individuals affected with Wilson Disease (Okada_2000, Shimizu_1995). These data indicate that the variant is very likely to be associated with disease. The following publications have been ascertained in the context of this evaluation (PMID: 10790207, 8526905). ClinVar contains an entry for this variant (Variation ID: 495402). Based on the evidence outlined above, the variant was classified as pathogenic.

Natera, Inc.
Classification: Pathogenic for Wilson disease. Last evaluated: 2024-07-17. Review status: criteria provided, single submitter. Criteria: Natera Variant Classification Schema (03/2026). Collection method: clinical testing. Allele origin: germline.
Comment: The c.1708-5T>G variant in ATP7B is an intronic variant located outside the canonical splice sites. This variant is rare in the general population with a frequency below the threshold expected for the associated phenotype(s). This variant has been observed in one or more individuals affected with the associated recessive disease, as either homozygous or compound heterozygous with a second variant (PMID: 20491539). Given the available evidence, this variant is classified as Pathogenic.

Baylor Genetics
Classification: Pathogenic for Wilson disease. Last evaluated: 2024-02-07. Review status: criteria provided, single submitter. Criteria: ACMG Guidelines, 2015. Collection method: clinical testing. Allele origin: unknown.

Chongqing Key Laboratory of Child Rare Diseases in Infection and Immunity, Children’s Hospital of Chongqing Medical University
Classification: Uncertain significance for Wilson disease. Last evaluated: 2024-01-01. Review status: criteria provided, single submitter. Criteria: ACMG Guidelines, 2015. Collection method: clinical testing. Allele origin: germline. Inheritance: Autosomal recessive inheritance. Affected: yes.
Comment: Classified as Uncertain significance according to the ACMG/AMP 2015 guidelines (PMID:25741868). The classification was based on the available submitted evidence for Wilson disease (OMIM:277900), including clinical-testing observations, variant consequence/protein annotation, and published or ClinVar evidence where available. Supporting information considered: variant annotation: Splicing; submitted notation: NM_000053.4:c.1708-5T>G; source variant type: Splicing; source domain: NA; allele count n=230: 2.

Fulgent Genetics
Classification: Likely pathogenic for Wilson disease. Last evaluated: 2018-10-31. Review status: criteria provided, single submitter. Criteria: ACMG Guidelines, 2015. Collection method: clinical testing. Allele origin: unknown.

Counsyl
Classification: Pathogenic for Wilson disease. Last evaluated: 2017-04-06. Review status: no assertion criteria provided. Collection method: clinical testing. Allele origin: unknown. Not counted in ClinVar's aggregate classification.

Literature cited by the submitters: PubMed 8526905 (cited by 3 submitters); PubMed 11721763 (cited by Labcorp Genetics (formerly Invitae), Labcorp and Counsyl); PubMed 21707886 (cited by Labcorp Genetics (formerly Invitae), Labcorp); PubMed 28507923 (cited by Labcorp Genetics (formerly Invitae), Labcorp); PubMed 10790207 (cited by Women's Health and Genetics/Laboratory Corporation of America, LabCorp and Counsyl); PubMed 20491539 (cited by Natera, Inc.); PubMed 25130000 (cited by Counsyl); PubMed 23235335 (cited by Counsyl); PubMed 18034201 (cited by Counsyl).